The following is an entry in ClinVar:

NM_000216.4(ANOS1):c.1354+19_1354+22del

Gene: ANOS1 (anosmin 1; minus strand). Cytogenetic location: Xp22.31.
Variant type: Microsatellite.
Coding change: c.1354+19_1354+22del on transcript NM_000216.4 (MANE Select); bases 19 to 22 of the intron after coding-DNA position 1354, 4 bases deleted (CTTA; older notation c.1354+19_1354+22delCTTA).
Molecular consequence: intron variant.
Genome position (GRCh38, 1-based): chrX:8,553,930-8,553,933, TAAG deleted on the plus strand (CTTA on the coding strand, the reverse complement: ANOS1 is on the minus strand); deleting any 4 consecutive bases within chrX:8,553,930-8,553,940 gives the same sequence; the c. name uses the placement nearest the transcript's 3' end. VCF-style (leftmost placement, unchanged base first): chrX-8553929-ATAAG-A. GRCh37 (hg19) VCF-style: chrX-8521970-ATAAG-A.
Identifiers: ClinVar variation 516595 (VCV000516595.9), dbSNP rs201866844, ClinGen allele CA10343639.
Genomic context (GRCh38, chrX:8,553,929, plus strand): 5'-TTGACATTTACTTCTTCAAAACTATCTCTATATTACTGTGCTGTTTAAAGCAAGTAAGAA[ATAAG>A]TAAGTAATGTTTATGTACCTTCTGTCTTCTTCCAGTAGACTTTAACTTGCAGTTGGCCAT-3'

ClinVar aggregate classification (germline): Benign. Review status: criteria provided, multiple submitters, no conflicts (2 of 4 stars). 3 submissions from 3 submitters: Benign (3). Last evaluated 2026-01-27.

Conditions:
Hypogonadotropic hypogonadism 1 with or without anosmia (HH1). Also called: KAL1-Related GnRH Deficiency (Kallmann Syndrome 1; Kallmann Syndrome, X-Linked); Hypogonadotropic hypogonadism 1 with or without anosmia (Kallmann syndrome 1); Kallmann syndrome, type 1, X-linked; HYPOGONADOTROPIC HYPOGONADISM 1 WITH ANOSMIA; DYSPLASIA OLFACTOGENITALIS OF DE MORSIER; HYPOGONADOTROPIC HYPOGONADISM AND ANOSMIA. Identifiers: Orphanet 478, MedGen C1563719, MONDO:0010635, OMIM 308700. Disease mechanism: loss of function.

Submissions (3):

Labcorp Genetics (formerly Invitae), Labcorp
Classification: Benign for Hypogonadotropic hypogonadism 1 with or without anosmia. Last evaluated: 2026-01-27. Review status: criteria provided, single submitter. Criteria: Invitae Variant Classification Sherloc (09022015). Collection method: clinical testing. Allele origin: germline.

Athena Diagnostics
Classification: Benign. Last evaluated: 2018-03-02. Review status: criteria provided, single submitter. Criteria: Athena Diagnostics Criteria. Collection method: clinical testing. Allele origin: germline.

GeneDx
Classification: Benign. Last evaluated: 2017-03-13. Review status: criteria provided, single submitter. Criteria: GeneDx Variant Classification (06012015). Collection method: clinical testing. Allele origin: germline. Affected: yes.
Comment: This variant is considered likely benign or benign based on one or more of the following criteria: it is a conservative change, it occurs at a poorly conserved position in the protein, it is predicted to be benign by multiple in silico algorithms, and/or has population frequency not consistent with disease.